The following is an entry in ClinVar:

ClinVar aggregate classification (germline): Uncertain significance (1 of 4 stars; one submission).

Conditions:
Klippel-Feil syndrome 1, autosomal dominant (KFS1). Also called: CERVICAL VERTEBRAL FUSION, AUTOSOMAL DOMINANT. Identifiers: Orphanet 2345, MedGen C1861689, MONDO:0007306, OMIM 118100.
Leber congenital amaurosis 17 (LCA17). Identifiers: Orphanet 65, MedGen C3715164, MONDO:0014145, OMIM 615360.
Isolated microphthalmia 4. Identifiers: Orphanet 2542, MedGen C2751307, MONDO:0013130, OMIM 613094.
Microphthalmia, isolated, with coloboma 6 (MCOPCB6). Also called: MICROPHTHALMIA/COLOBOMA 6; Microphthalmia with coloboma 6, digenic; Microphthalmia with coloboma 6. Identifiers: Orphanet 98938, MedGen C3150968, MONDO:0013376, OMIM 613703.

Submission:

Labcorp Genetics (formerly Invitae), Labcorp
Classification: Uncertain significance for Isolated microphthalmia 4; Leber congenital amaurosis 17; Klippel-Feil syndrome 1, autosomal dominant; Microphthalmia, isolated, with coloboma 6. Last evaluated: 2026-02-04. Review status: criteria provided, single submitter. Criteria: Invitae Variant Classification Sherloc (09022015). Collection method: clinical testing. Allele origin: germline.
Comment: This sequence change replaces arginine, which is basic and polar, with glutamine, which is neutral and polar, at codon 332 of the GDF6 protein (p.Arg332Gln). This variant is not present in population databases (gnomAD no frequency). This variant has not been reported in the literature in individuals affected with GDF6-related conditions. ClinVar contains an entry for this variant (Variation ID: 2922584). Invitae Evidence Modeling of protein sequence and biophysical properties (such as structural, functional, and spatial information, amino acid conservation, physicochemical variation, residue mobility, and thermodynamic stability) indicates that this missense variant is not expected to disrupt GDF6 protein function with a negative predictive value of 80%. In summary, the available evidence is currently insufficient to determine the role of this variant in disease. Therefore, it has been classified as a Variant of Uncertain Significance.

NM_001001557.4(GDF6):c.995G>A (p.Arg332Gln)

Gene: GDF6 (growth differentiation factor 6; minus strand). Cytogenetic location: 8q22.1.
Variant type: single nucleotide variant.
Coding change: c.995G>A on transcript NM_001001557.4 (MANE Select); coding-DNA position 995, G replaced by A.
Protein change: p.Arg332Gln; replaces arginine 332 with glutamine.
Molecular consequence: missense variant.
Genome position (GRCh38, 1-based): chr8:96,144,936, C>T on the plus strand (G>A on the coding strand, the complement: GDF6 is on the minus strand). VCF-style: chr8-96144936-C-T. GRCh37 (hg19) VCF-style: chr8-97157164-C-T.
Other names: short protein forms R332Q.
Identifiers: ClinVar variation 2922584 (VCV002922584.3), dbSNP rs1812445302, ClinGen allele CA371751369.